The following is an entry in ClinVar:

NM_001085487.3(MYSM1):c.884C>T (p.Thr295Ile)

Gene: MYSM1 (Myb like, SWIRM and MPN domains 1; minus strand). Cytogenetic location: 1p32.1.
Variant type: single nucleotide variant.
Coding change: c.884C>T on transcript NM_001085487.3 (MANE Select); coding-DNA position 884, C replaced by T.
Protein change: p.Thr295Ile; replaces threonine 295 with isoleucine.
Molecular consequence: missense variant.
Genome position (GRCh38, 1-based): chr1:58,682,160, G>A on the plus strand (C>T on the coding strand, the complement: MYSM1 is on the minus strand). VCF-style: chr1-58682160-G-A. GRCh37 (hg19) VCF-style: chr1-59147832-G-A.
Other names: short protein forms T295I.
Identifiers: ClinVar variation 2890493 (VCV002890493.1), dbSNP rs368671263, ClinGen allele CA877945.

ClinVar aggregate classification (germline): Uncertain significance (1 of 4 stars; one submission).

Allele frequency attached by ClinVar (database versions not stated): gnomAD exomes 0.00001; ExAC 0.00002; gnomAD 0.00007; TOPMed 0.00007; ESP Exome Variant Server 0.00008.
gnomAD v4.1: 19 of 1,612,840 alleles (0.0012%); highest among the groups gnomAD compares: African/African-American, 0.023%; no homozygotes.

Submission:

Labcorp Genetics (formerly Invitae), Labcorp
Classification: Uncertain significance. Last evaluated: 2023-12-23. Review status: criteria provided, single submitter. Criteria: Invitae Variant Classification Sherloc (09022015). Collection method: clinical testing. Allele origin: germline.
Comment: This sequence change replaces threonine, which is neutral and polar, with isoleucine, which is neutral and non-polar, at codon 295 of the MYSM1 protein (p.Thr295Ile). This variant is present in population databases (rs368671263, gnomAD 0.03%). This variant has not been reported in the literature in individuals affected with MYSM1-related conditions. Advanced modeling of protein sequence and biophysical properties (such as structural, functional, and spatial information, amino acid conservation, physicochemical variation, residue mobility, and thermodynamic stability) performed at Invitae indicates that this missense variant is not expected to disrupt MYSM1 protein function with a negative predictive value of 80%. In summary, the available evidence is currently insufficient to determine the role of this variant in disease. Therefore, it has been classified as a Variant of Uncertain Significance.